The following is an entry in ClinVar:

ClinVar aggregate classification (germline): Uncertain significance (1 of 4 stars; one submission).

Conditions:
Long QT syndrome (LQTS). Identifiers: MedGen C0023976, MeSH D008133, MONDO:0002442. Disease mechanism: loss of function. Inheritance: Various modes of inheritance.

Submission:

Labcorp Genetics (formerly Invitae), Labcorp
Classification: Uncertain significance for Long QT syndrome. Last evaluated: 2024-05-12. Review status: criteria provided, single submitter. Criteria: Invitae Variant Classification Sherloc (09022015). Collection method: clinical testing. Allele origin: germline.
Comment: This sequence change replaces glutamic acid, which is acidic and polar, with glycine, which is neutral and non-polar, at codon 11 of the KCNQ1 protein (p.Glu11Gly). The frequency data for this variant in the population databases is considered unreliable, as metrics indicate insufficient coverage at this position in the gnomAD database. This variant has not been reported in the literature in individuals affected with KCNQ1-related conditions. Advanced modeling of protein sequence and biophysical properties (such as structural, functional, and spatial information, amino acid conservation, physicochemical variation, residue mobility, and thermodynamic stability) performed at Invitae indicates that this missense variant is expected to disrupt KCNQ1 protein function with a positive predictive value of 95%. In summary, the available evidence is currently insufficient to determine the role of this variant in disease. Therefore, it has been classified as a Variant of Uncertain Significance.

NM_000218.3(KCNQ1):c.32A>G (p.Glu11Gly)

Gene: KCNQ1 (potassium voltage-gated channel subfamily Q member 1; plus strand). Cytogenetic location: 11p15.5.
Variant type: single nucleotide variant.
Coding change: c.32A>G on transcript NM_000218.3 (MANE Select); coding-DNA position 32, A replaced by G.
Protein change: p.Glu11Gly; replaces glutamic acid 11 with glycine.
Molecular consequence: missense variant. On other transcripts: 5 prime UTR variant (1).
Genome position (GRCh38, 1-based): chr11:2,445,130, A>G. VCF-style: chr11-2445130-A-G. GRCh37 (hg19) VCF-style: chr11-2466360-A-G.
Other names: c.32A>G, p.Glu11Gly (NM_001406836.1, NM_001406838.1); c.-331A>G (NM_001406837.1); short protein forms E11G.
Identifiers: ClinVar variation 2710421 (VCV002710421.3), dbSNP rs2496740603, ClinGen allele CA379115767.